The following is an entry in ClinVar:

NM_030662.4(MAP2K2):c.987A>G (p.Pro329=)

Gene: MAP2K2 (mitogen-activated protein kinase kinase 2; minus strand). Cytogenetic location: 19p13.3.
Variant type: single nucleotide variant.
Coding change: c.987A>G on transcript NM_030662.4 (MANE Select); coding-DNA position 987, A replaced by G.
Protein change: p.Pro329=; no amino-acid change (proline 329 retained).
Molecular consequence: synonymous variant.
Genome position (GRCh38, 1-based): chr19:4,095,447, T>C on the plus strand (A>G on the coding strand, the complement: MAP2K2 is on the minus strand). VCF-style: chr19-4095447-T-C. GRCh37 (hg19) VCF-style: chr19-4095445-T-C.
Identifiers: ClinVar variation 928895 (VCV000928895.2), dbSNP rs1173273857, ClinGen allele CA504984723.

ClinVar aggregate classification (germline): Conflicting classifications of pathogenicity. Review status: criteria provided, conflicting classifications (1 of 4 stars). 2 submissions from 2 submitters: Uncertain significance (1); Likely benign (1). Last evaluated 2026-08-08.

Conditions:
Cardiovascular phenotype. Identifiers: MedGen CN230736.

Allele frequency attached by ClinVar (database versions not stated): gnomAD exomes 0.00001; TOPMed below 0.00001.

Submissions (2):

Ambry Genetics
Classification: Likely benign for Cardiovascular phenotype. Last evaluated: 2026-08-08. Review status: criteria provided, single submitter. Criteria: Ambry Variant Classification Scheme 2023. Collection method: clinical testing. Allele origin: germline.

Women's Health and Genetics/Laboratory Corporation of America, LabCorp
Classification: Uncertain significance. Last evaluated: 2019-06-24. Review status: criteria provided, single submitter. Criteria: LabCorp Variant Classification Summary - May 2015. Collection method: clinical testing. Allele origin: germline.
Comment: Variant summary: MAP2K2 c.987A>G (p.Pro329Pro) alters a non-conserved nucleotide located close to a canonical splice site and therefore could affect mRNA splicing, leading to a significantly altered protein sequence. 5/5 computational tools predict no significant impact on normal splicing. However, these predictions have yet to be confirmed by functional studies. The variant allele was found at a frequency of 6.4e-06 in 156262 control chromosomes (gnomAD). The available data on variant occurrences in the general population are insufficient to allow any conclusion about variant significance. To our knowledge, no occurrence of c.987A>G in individuals affected with Noonan Syndrome and Related Conditions and no experimental evidence demonstrating its impact on protein function have been reported. No submitters have provided clinical-significance assessments for this variant to ClinVar after 2014. Based on the evidence outlined above, the variant was classified as VUS-possibly benign.